The following is an entry in ClinVar:

ClinVar aggregate classification (germline): Uncertain significance (0 of 4 stars; one submission).

Conditions:
COL4A4-related disorder.

Submission:

PreventionGenetics, part of Exact Sciences
Classification: Uncertain significance for COL4A4-related condition. Last evaluated: 2024-03-27. Review status: no assertion criteria provided. Collection method: clinical testing. Allele origin: germline.
Comment: The COL4A4 c.2483G>A variant is predicted to result in the amino acid substitution p.Cys828Tyr. To our knowledge, this variant has not been reported in the literature or in a large population database, indicating this variant is rare. At this time, the clinical significance of this variant is uncertain due to the absence of conclusive functional and genetic evidence.

NM_000092.5(COL4A4):c.2483G>A (p.Cys828Tyr)

Gene: COL4A4 (collagen type IV alpha 4 chain; minus strand). Cytogenetic location: 2q36.3.
Variant type: single nucleotide variant.
Coding change: c.2483G>A on transcript NM_000092.5 (MANE Select); coding-DNA position 2483, G replaced by A.
Protein change: p.Cys828Tyr; replaces cysteine 828 with tyrosine.
Molecular consequence: missense variant.
Genome position (GRCh38, 1-based): chr2:227,057,501, C>T on the plus strand (G>A on the coding strand, the complement: COL4A4 is on the minus strand). VCF-style: chr2-227057501-C-T. GRCh37 (hg19) VCF-style: chr2-227922217-C-T.
Other names: short protein forms C828Y.
Identifiers: ClinVar variation 3347590 (VCV003347590.1).